The following is an entry in ClinVar:

ClinVar aggregate classification (germline): Uncertain significance (1 of 4 stars; one submission).

Submission:

CeGaT Center for Human Genetics Tuebingen
Classification: Uncertain significance. Last evaluated: 2025-08-01. Review status: criteria provided, single submitter. Criteria: CeGaT Center For Human Genetics Tuebingen Variant Classification Criteria Version 2. Collection method: clinical testing. Allele origin: germline. Affected: yes. Observed: 1 variant allele.
Comment: PLOD1: PM2

NM_000302.4(PLOD1):c.1564G>A (p.Glu522Lys)

Gene: PLOD1 (procollagen-lysine,2-oxoglutarate 5-dioxygenase 1; plus strand). Cytogenetic location: 1p36.22.
Variant type: single nucleotide variant.
Coding change: c.1564G>A on transcript NM_000302.4 (MANE Select); coding-DNA position 1564, G replaced by A.
Protein change: p.Glu522Lys; replaces glutamic acid 522 with lysine.
Molecular consequence: missense variant.
Genome position (GRCh38, 1-based): chr1:11,965,573, G>A. VCF-style: chr1-11965573-G-A. GRCh37 (hg19) VCF-style: chr1-12025630-G-A.
Other names: c.1705G>A, p.Glu569Lys (NM_001316320.2); short protein forms E522K, E569K.
Identifiers: ClinVar variation 4085817 (VCV004085817.8).